The following is an entry in ClinVar:

ClinVar aggregate classification (germline): Benign/Likely benign. Review status: criteria provided, multiple submitters, no conflicts (2 of 4 stars). 2 submissions from 2 submitters: Benign (1); Likely benign (1). Last evaluated 2025-06-01.

Conditions:
DST-related disorder. Also called: DST-related disorders; DST-related condition.
Epidermolysis bullosa simplex 3, localized or generalized intermediate, with BP230 deficiency (EBS3). Also called: Epidermolysis bullosa simplex due to BP230 deficiency; Epidermolysis bullosa simplex, autosomal recessive 2. Identifiers: Orphanet 412181, MedGen C3809470, MONDO:0014180, OMIM 615425.
Hereditary sensory and autonomic neuropathy type 6. Also called: Neuropathy, hereditary sensory and autonomic, type VI; HSAN VI. Identifiers: Orphanet 314381, MedGen C3539003, MONDO:0013839, OMIM 614653.

Submissions (2):

Labcorp Genetics (formerly Invitae), Labcorp
Classification: Benign for Epidermolysis bullosa simplex 3, localized or generalized intermediate, with BP230 deficiency; Hereditary sensory and autonomic neuropathy type 6. Last evaluated: 2025-06-01. Review status: criteria provided, single submitter. Criteria: Invitae Variant Classification Sherloc (09022015). Collection method: clinical testing. Allele origin: germline.

PreventionGenetics, part of Exact Sciences
Classification: Likely benign for DST-related condition. Last evaluated: 2025-05-07. Review status: criteria provided, single submitter. Criteria: ACMG Guidelines, 2015. Collection method: clinical testing. Allele origin: germline.
Comment: This variant is classified as likely benign based on ACMG/AMP sequence variant interpretation guidelines (Richards et al. 2015 PMID: 25741868, with internal and published modifications).

NM_001374736.1(DST):c.20551-10del

Gene: DST (dystonin; minus strand). Cytogenetic location: 6p12.1.
Variant type: Deletion.
Coding change: c.20551-10del on transcript NM_001374736.1 (MANE Select); 10 bases into the intron before coding-DNA position 20551, one base deleted (T; older notation c.20551-10delT).
Molecular consequence: intron variant.
Genome position (GRCh38, 1-based): chr6:56,492,443, A deleted on the plus strand (T on the coding strand, the reverse complement: DST is on the minus strand); the first of 7 consecutive A bases (chr6:56,492,443-56,492,449); deleting any one gives the same sequence. VCF-style (leftmost placement, unchanged base first): chr6-56492442-GA-G. GRCh37 (hg19) VCF-style: chr6-56357240-GA-G.
Other names: c.14194-10delT (NM_001144769.2); c.14194-10del (NM_001144769.5); c.20551-10del (NM_001374722.1); c.20578-10del (NM_001374734.1); c.13780-10del (NM_001144770.2); c.13333-10del (NM_001374730.1); c.13660-10del (NM_001386100.1, NM_183380.4); c.19591-10del (NM_001374729.1); and 1 more.
Identifiers: ClinVar variation 1166438 (VCV001166438.10), dbSNP rs756520184, ClinGen allele CA3866714.